The following is an entry in ClinVar:

ClinVar aggregate classification (germline): Uncertain significance (1 of 4 stars; one submission).

Conditions:
Cardiovascular phenotype. Identifiers: MedGen CN230736.

Submission:

Ambry Genetics
Classification: Uncertain significance for Cardiovascular phenotype. Last evaluated: 2026-06-12. Review status: criteria provided, single submitter. Criteria: Ambry Variant Classification Scheme 2023. Collection method: clinical testing. Allele origin: germline.
Comment: The p.I696F variant (also known as c.2086A>T), located in coding exon 12 of the LDB3 gene, results from an A to T substitution at nucleotide position 2086. The isoleucine at codon 696 is replaced by phenylalanine, an amino acid with highly similar properties. This amino acid position is conserved. In addition, the in silico prediction for this alteration is inconclusive. Based on the available evidence, the clinical significance of this variant remains unclear.

NM_007078.3(LDB3):c.2086A>T (p.Ile696Phe)

Gene: LDB3 (LIM domain binding 3; plus strand). Cytogenetic location: 10q23.2.
Variant type: single nucleotide variant.
Coding change: c.2086A>T on transcript NM_007078.3 (MANE Select); coding-DNA position 2086, A replaced by T.
Protein change: p.Ile696Phe; replaces isoleucine 696 with phenylalanine.
Molecular consequence: missense variant.
Genome position (GRCh38, 1-based): chr10:86,726,244, A>T. VCF-style: chr10-86726244-A-T. GRCh37 (hg19) VCF-style: chr10-88486001-A-T.
Other names: c.1756A>T, p.Ile586Phe (NM_001080114.2); c.2101A>T, p.Ile701Phe (NM_001171610.2); c.1897A>T, p.Ile633Phe (NM_001368064.1, NM_001368065.1); c.1945A>T, p.Ile649Phe (NM_001368066.1); short protein forms I586F, I633F, I649F, I696F, I701F.
Identifiers: ClinVar variation 4859159 (VCV004859159.1).